The following is an entry in ClinVar:

NM_020376.4(PNPLA2):c.1416_1432dup (p.Gln478fs)

Gene: PNPLA2 (patatin like phospholipase domain containing 2; plus strand). Cytogenetic location: 11p15.5.
Variant type: Duplication.
Coding change: c.1416_1432dup on transcript NM_020376.4 (MANE Select); coding-DNA positions 1416 to 1432, 17 bases duplicated (GGACCCAGCATCCCCGC).
Protein change: p.Gln478fs; shifts the reading frame from glutamine 478.
Molecular consequence: frameshift variant.
Genome position (GRCh38, 1-based): chr11:824,763-824,779, GGACCCAGCATCCCCGC duplicated; duplicating any 17 consecutive bases within chr11:824,757-824,779 gives the same sequence; the c. name uses the placement nearest the transcript's 3' end. VCF-style (leftmost placement, unchanged base first): chr11-824756-C-CCCCCGCGGACCCAGCAT. GRCh37 (hg19) VCF-style: chr11-824756-C-CCCCCGCGGACCCAGCAT.
Other names: p.Gln478Argfs*17; short protein forms Q478fs.
Identifiers: ClinVar variation 3380003 (VCV003380003.1).

ClinVar aggregate classification (germline): Uncertain significance (1 of 4 stars; one submission).

Submission:

Mayo Clinic Laboratories, Mayo Clinic
Classification: Uncertain significance. Last evaluated: 2023-12-29. Review status: criteria provided, single submitter. Criteria: ACMG Guidelines, 2015. Collection method: clinical testing. Allele origin: germline. Observed: 1 variant allele.
Comment: PM2_moderate, PVS1_moderate